The following is an entry in ClinVar:

NM_001378615.1(CC2D2A):c.786C>A (p.Asp262Glu)

Genes: CC2D2A (coiled-coil and C2 domain containing 2A; plus strand), FBXL5 (F-box and leucine rich repeat protein 5; minus strand). Cytogenetic location: 4p15.32.
Variant type: single nucleotide variant.
Coding change: c.786C>A on transcript NM_001378615.1 (MANE Select); coding-DNA position 786, C replaced by A.
Protein change: p.Asp262Glu; replaces aspartic acid 262 with glutamic acid.
Molecular consequence: missense variant.
Genome position (GRCh38, 1-based): chr4:15,514,775, C>A. VCF-style: chr4-15514775-C-A. GRCh37 (hg19) VCF-style: chr4-15516398-C-A.
Other names: c.786C>A, p.Asp262Glu (NM_001080522.2); c.639C>A, p.Asp213Glu (NM_001378617.1); short protein forms D213E, D262E.
Identifiers: ClinVar variation 1010965 (VCV001010965.9), dbSNP rs200434902, ClinGen allele CA356409264.
Genomic context (GRCh38, chr4:15,514,775, plus strand): 5'-AGAACTGCTTAATGGTGATGATGCCGAGGACTTCCTATTGGGCTTAGATCACGTGGCTGA[C>A]GATTTTGTAGCAGTCAGACCTGCAGATTATGAAAGCATCCATGATCGGCTGCAGATGGAA-3'
Protein context (NP_001365544.1, residues 252-272): DFLLGLDHVA[Asp262Glu]DFVAVRPADY

ClinVar aggregate classification (germline): Uncertain significance (1 of 4 stars; one submission).

Conditions:
Joubert syndrome. Also called: JOUBERT-BOLTSHAUSER SYNDROME; Familial aplasia of the vermis. Identifiers: Orphanet 475, MedGen C5979921, MONDO:0018772.
Meckel-Gruber syndrome. Also called: Dysencephalia splachnocystica; DYSENCEPHALIA SPLANCHNOCYSTICA; GRUBER SYNDROME. Identifiers: Orphanet 564, MedGen C0265215, MONDO:0018921.

gnomAD v4.1: 9 of 1,612,980 alleles (0.00056%); highest among the groups gnomAD compares: Non-Finnish European, 0.00059%; no homozygotes.

Submission:

Labcorp Genetics (formerly Invitae), Labcorp
Classification: Uncertain significance for Joubert syndrome; Meckel-Gruber syndrome. Last evaluated: 2021-08-05. Review status: criteria provided, single submitter. Criteria: Invitae Variant Classification Sherloc (09022015). Collection method: clinical testing. Allele origin: germline.
Comment: In summary, the available evidence is currently insufficient to determine the role of this variant in disease. Therefore, it has been classified as a Variant of Uncertain Significance. Algorithms developed to predict the effect of missense changes on protein structure and function output the following: SIFT: "Tolerated"; PolyPhen-2: "Benign"; Align-GVGD: "Class C0". The glutamic acid amino acid residue is found in multiple mammalian species, suggesting that this missense change does not adversely affect protein function. These predictions have not been confirmed by published functional studies and their clinical significance is uncertain. This variant has not been reported in the literature in individuals with CC2D2A-related conditions. This variant is not present in population databases (ExAC no frequency). This sequence change replaces aspartic acid with glutamic acid at codon 262 of the CC2D2A protein (p.Asp262Glu). The aspartic acid residue is weakly conserved and there is a small physicochemical difference between aspartic acid and glutamic acid.